The following is an entry in ClinVar:

NM_032608.7(MYO18B):c.1922A>C (p.Gln641Pro)

Gene: MYO18B (myosin XVIIIB; plus strand). Cytogenetic location: 22q12.1.
Variant type: single nucleotide variant.
Coding change: c.1922A>C on transcript NM_032608.7 (MANE Select); coding-DNA position 1922, A replaced by C.
Protein change: p.Gln641Pro; replaces glutamine 641 with proline.
Molecular consequence: missense variant.
Genome position (GRCh38, 1-based): chr22:25,777,635, A>C. VCF-style: chr22-25777635-A-C. GRCh37 (hg19) VCF-style: chr22-26173602-A-C.
Other names: c.1922A>C (NM_032608.6); c.1922A>C, p.Gln641Pro (NM_001318245.2); short protein forms Q641P.
Identifiers: ClinVar variation 1351923 (VCV001351923.7), dbSNP rs753134292, ClinGen allele CA10160009.

ClinVar aggregate classification (germline): Uncertain significance (1 of 4 stars; one submission).

Conditions:
Klippel-Feil anomaly-myopathy-facial dysmorphism syndrome. Also called: Klippel-Feil syndrome 4, autosomal recessive, with myopathy and facial dysmorphism; Klippel-feil syndrome 4, autosomal recessive, with nemaline myopathy and facial dysmorphism. Identifiers: Orphanet 447974, MedGen C4225285, MONDO:0014689, OMIM 616549.

Allele frequency attached by ClinVar (database versions not stated): gnomAD exomes below 0.00001 and 0.00001; ExAC 0.00001.
gnomAD v4.1: 5 of 1,611,414 alleles (0.00031%); highest among the groups gnomAD compares: Non-Finnish European, 0.00042%; no homozygotes.

Submission:

Labcorp Genetics (formerly Invitae), Labcorp
Classification: Uncertain significance. Last evaluated: 2022-08-09. Review status: criteria provided, single submitter. Criteria: Invitae Variant Classification Sherloc (09022015). Collection method: clinical testing. Allele origin: germline.
Comment: This variant is present in population databases (rs753134292, gnomAD 0.002%). In summary, the available evidence is currently insufficient to determine the role of this variant in disease. Therefore, it has been classified as a Variant of Uncertain Significance. Algorithms developed to predict the effect of missense changes on protein structure and function are either unavailable or do not agree on the potential impact of this missense change (SIFT: "Not Available"; PolyPhen-2: "Possibly Damaging"; Align-GVGD: "Not Available"). ClinVar contains an entry for this variant (Variation ID: 1351923). This variant has not been reported in the literature in individuals affected with MYO18B-related conditions. This sequence change replaces glutamine, which is neutral and polar, with proline, which is neutral and non-polar, at codon 641 of the MYO18B protein (p.Gln641Pro).